The following is an entry in ClinVar:

ClinVar aggregate classification (germline): Uncertain significance (1 of 4 stars; one submission).

Allele frequency attached by ClinVar (database versions not stated): gnomAD 0.00002 and 0.00003; gnomAD exomes 0.00004; TOPMed 0.00007; ExAC 0.00013.
gnomAD v4.1: 49 of 1,516,552 alleles (0.0032%); highest among the groups gnomAD compares: Non-Finnish European, 0.0042%; no homozygotes.

Submission:

Labcorp Genetics (formerly Invitae), Labcorp
Classification: Uncertain significance. Last evaluated: 2025-09-14. Review status: criteria provided, single submitter. Criteria: Invitae Variant Classification Sherloc (09022015). Collection method: clinical testing. Allele origin: germline.
Comment: This sequence change replaces glutamic acid, which is acidic and polar, with glutamine, which is neutral and polar, at codon 129 of the TCF3 protein (p.Glu129Gln). This variant is present in population databases (rs768799787, gnomAD 0.009%). This variant has not been reported in the literature in individuals affected with TCF3-related conditions. ClinVar contains an entry for this variant (Variation ID: 1369638). Invitae Evidence Modeling of protein sequence and biophysical properties (such as structural, functional, and spatial information, amino acid conservation, physicochemical variation, residue mobility, and thermodynamic stability) indicates that this missense variant is not expected to disrupt TCF3 protein function with a negative predictive value of 80%. In summary, the available evidence is currently insufficient to determine the role of this variant in disease. Therefore, it has been classified as a Variant of Uncertain Significance.

NM_003200.5(TCF3):c.385G>C (p.Glu129Gln)

Gene: TCF3 (transcription factor 3; minus strand). Cytogenetic location: 19p13.3.
Variant type: single nucleotide variant.
Coding change: c.385G>C on transcript NM_003200.5 (MANE Select); coding-DNA position 385, G replaced by C.
Protein change: p.Glu129Gln; replaces glutamic acid 129 with glutamine.
Molecular consequence: missense variant.
Genome position (GRCh38, 1-based): chr19:1,625,690, C>G on the plus strand (G>C on the coding strand, the complement: TCF3 is on the minus strand). VCF-style: chr19-1625690-C-G. GRCh37 (hg19) VCF-style: chr19-1625689-C-G.
Other names: c.385G>C, p.Glu129Gln (NM_001136139.4, NM_001351778.2, NM_001351779.2); short protein forms E129Q.
Identifiers: ClinVar variation 1369638 (VCV001369638.8), dbSNP rs768799787, ClinGen allele CA9050412.
Genomic context (GRCh38, chr19:1,625,690, plus strand): 5'-ACTGGGAGGTCCCCTTCATGCCCGAAGGGGACAGGGGCCCGGGGCTGTTGAGGGCCAGCT[C>G]GCCTGACAGGAAGCCAGCCTGGTGGGGAGCGGATGGTCAGAAAGCGCCCAGCTGGCATCC-3'
Protein context (NP_003191.1, residues 119-139): GLTQAGFLSG[Glu129Gln]LALNSPGPLS